The following is an entry in ClinVar:

NM_005502.4(ABCA1):c.5724G>T (p.Gln1908His)

Gene: ABCA1 (ATP binding cassette subfamily A member 1; minus strand). Cytogenetic location: 9q31.1.
Variant type: single nucleotide variant.
Coding change: c.5724G>T on transcript NM_005502.4 (MANE Select); coding-DNA position 5724, G replaced by T.
Protein change: p.Gln1908His; replaces glutamine 1908 with histidine.
Molecular consequence: missense variant.
Genome position (GRCh38, 1-based): chr9:104,792,819, C>A on the plus strand (G>T on the coding strand, the complement: ABCA1 is on the minus strand). VCF-style: chr9-104792819-C-A. GRCh37 (hg19) VCF-style: chr9-107555100-C-A.
Other names: short protein forms Q1908H.
Identifiers: ClinVar variation 4613280 (VCV004613280.1).
Genomic context (GRCh38, chr9:104,792,819, plus strand): 5'-GAGCTATTGTAACCTGTACTCTCTCACCTTCGTCAACTCCTTGATTTCTAAGATGTCATT[C>A]TGGCCTCCACCATCAAGAATTCTCTGTCTTTCCCGCCTCACATCTTCATCTTCATCATTC-3'
Protein context (NP_005493.2, residues 1898-1918): ERQRILDGGG[Gln1908His]NDILEIKELT

ClinVar aggregate classification (germline): Uncertain significance (1 of 4 stars; one submission).

Conditions:
Cardiovascular phenotype. Identifiers: MedGen CN230736.

gnomAD v4.1: 2 of 1,614,138 alleles (0.00012%); highest among the groups gnomAD compares: Non-Finnish European, 0.00017%; no homozygotes.

Submission:

Ambry Genetics
Classification: Uncertain significance for Cardiovascular phenotype. Last evaluated: 2025-10-29. Review status: criteria provided, single submitter. Criteria: Ambry Variant Classification Scheme 2023. Collection method: clinical testing. Allele origin: germline.
Comment: The p.Q1908H variant (also known as c.5724G>T), located in coding exon 41 of the ABCA1 gene, results from a G to T substitution at nucleotide position 5724. The glutamine at codon 1908 is replaced by histidine, an amino acid with highly similar properties. This amino acid position is conserved. In addition, the in silico prediction for this alteration is inconclusive. Based on the available evidence, the clinical significance of this variant remains unclear.